The following is an entry in ClinVar:

ClinVar aggregate classification (germline): Conflicting classifications of pathogenicity. Review status: criteria provided, conflicting classifications (1 of 4 stars). 2 submissions from 2 submitters: Uncertain significance (1); Likely benign (1). Last evaluated 2025-04-22.

Conditions:
Inborn genetic diseases. Identifiers: MedGen C0950123, MeSH D030342.

gnomAD v4.1: 12 of 1,605,796 alleles (0.00075%); highest among the groups gnomAD compares: East Asian, 0.0045%; no homozygotes.

Submissions (2):

Labcorp Genetics (formerly Invitae), Labcorp
Classification: Uncertain significance. Last evaluated: 2025-04-22. Review status: criteria provided, single submitter. Criteria: Invitae Variant Classification Sherloc (09022015). Collection method: clinical testing. Allele origin: germline.
Comment: This sequence change replaces valine, which is neutral and non-polar, with methionine, which is neutral and non-polar, at codon 745 of the CRB2 protein (p.Val745Met). This variant is present in population databases (rs754151973, gnomAD 0.002%). This variant has not been reported in the literature in individuals affected with CRB2-related conditions. Invitae Evidence Modeling of protein sequence and biophysical properties (such as structural, functional, and spatial information, amino acid conservation, physicochemical variation, residue mobility, and thermodynamic stability) indicates that this missense variant is not expected to disrupt CRB2 protein function with a negative predictive value of 80%. In summary, the available evidence is currently insufficient to determine the role of this variant in disease. Therefore, it has been classified as a Variant of Uncertain Significance.

Ambry Genetics
Classification: Likely benign for Inborn genetic diseases. Last evaluated: 2025-03-19. Review status: criteria provided, single submitter. Criteria: Ambry Variant Classification Scheme 2023. Collection method: clinical testing. Allele origin: germline.

NM_173689.7(CRB2):c.2233G>A (p.Val745Met)

Gene: CRB2 (crumbs cell polarity complex component 2; plus strand). Cytogenetic location: 9q33.3.
Variant type: single nucleotide variant.
Coding change: c.2233G>A on transcript NM_173689.7 (MANE Select); coding-DNA position 2233, G replaced by A.
Protein change: p.Val745Met; replaces valine 745 with methionine.
Molecular consequence: missense variant. On other transcripts: non-coding transcript variant (1).
Genome position (GRCh38, 1-based): chr9:123,371,375, G>A. VCF-style: chr9-123371375-G-A. GRCh37 (hg19) VCF-style: chr9-126133654-G-A.
Other names: short protein forms V745M.
Identifiers: ClinVar variation 4006694 (VCV004006694.2).